The following is an entry in ClinVar:

NM_004560.4(ROR2):c.1739A>T (p.Asp580Val)

Gene: ROR2 (receptor tyrosine kinase like orphan receptor 2; minus strand). Cytogenetic location: 9q22.31.
Variant type: single nucleotide variant.
Coding change: c.1739A>T on transcript NM_004560.4 (MANE Select); coding-DNA position 1739, A replaced by T.
Protein change: p.Asp580Val; replaces aspartic acid 580 with valine.
Molecular consequence: missense variant.
Genome position (GRCh38, 1-based): chr9:91,724,755, T>A on the plus strand (A>T on the coding strand, the complement: ROR2 is on the minus strand). VCF-style: chr9-91724755-T-A. GRCh37 (hg19) VCF-style: chr9-94487037-T-A.
Other names: short protein forms D580V.
Identifiers: ClinVar variation 1973931 (VCV001973931.5), dbSNP rs2490117893, ClinGen allele CA373797644.

ClinVar aggregate classification (germline): Uncertain significance (1 of 4 stars; one submission).

Submission:

Labcorp Genetics (formerly Invitae), Labcorp
Classification: Uncertain significance. Last evaluated: 2022-08-12. Review status: criteria provided, single submitter. Criteria: Invitae Variant Classification Sherloc (09022015). Collection method: clinical testing. Allele origin: germline.
Comment: In summary, the available evidence is currently insufficient to determine the role of this variant in disease. Therefore, it has been classified as a Variant of Uncertain Significance. Advanced modeling of protein sequence and biophysical properties (such as structural, functional, and spatial information, amino acid conservation, physicochemical variation, residue mobility, and thermodynamic stability) performed at Invitae indicates that this missense variant is not expected to disrupt ROR2 protein function. This variant has not been reported in the literature in individuals affected with ROR2-related conditions. This variant is not present in population databases (gnomAD no frequency). This sequence change replaces aspartic acid, which is acidic and polar, with valine, which is neutral and non-polar, at codon 580 of the ROR2 protein (p.Asp580Val).